The following is an entry in ClinVar:

ClinVar aggregate classification (germline): Conflicting classifications of pathogenicity. Review status: criteria provided, conflicting classifications (1 of 4 stars). 2 submissions from 2 submitters: Uncertain significance (1); Benign (1). Last evaluated 2025-06-29.

Conditions:
Cardiovascular phenotype. Identifiers: MedGen CN230736.
Hereditary cancer-predisposing syndrome. Also called: Hereditary neoplastic syndrome; Neoplastic Syndromes, Hereditary; Tumor predisposition; Hereditary Cancer Syndrome. Identifiers: Orphanet 140162, MedGen C0027672, MeSH D009386, MONDO:0015356.
Neurofibromatosis, type 1 (NF1). Also called: Peripheral type neurofibromatosis; Neurofibromatosis, type I; VON RECKLINGHAUSEN DISEASE; NEUROFIBROMATOSIS, TYPE I, SOMATIC. Identifiers: Orphanet 636, MedGen C0027831, MONDO:0018975, OMIM 162200. Disease mechanism: loss of function.

Allele frequency attached by ClinVar (database versions not stated): gnomAD exomes below 0.00001 and 0.00001; ExAC 0.00002.
gnomAD v4.1: 4 of 1,614,002 alleles (0.00025%); highest among the groups gnomAD compares: South Asian, 0.0033%; no homozygotes.

Submissions (2):

Labcorp Genetics (formerly Invitae), Labcorp
Classification: Benign for Neurofibromatosis, type 1. Last evaluated: 2025-06-29. Review status: criteria provided, single submitter. Criteria: Invitae Variant Classification Sherloc (09022015). Collection method: clinical testing. Allele origin: germline.

Ambry Genetics
Classification: Uncertain significance for Cardiovascular phenotype; Hereditary cancer-predisposing syndrome. Last evaluated: 2025-01-10. Review status: criteria provided, single submitter. Criteria: Ambry Variant Classification Scheme 2023. Collection method: clinical testing. Allele origin: germline.
Comment: The p.G255S variant (also known as c.763G>A), located in coding exon 8 of the NF1 gene, results from a G to A substitution at nucleotide position 763. The glycine at codon 255 is replaced by serine, an amino acid with similar properties. This variant was observed in a study of 1010 unrelated Indian patients with breast and/or ovarian cancer (Singh J et al. Breast Cancer Res Treat, 2018 Jul;170:189-196). This amino acid position is well conserved in available vertebrate species; however, serine is the reference amino acid in other vertebrate species. In addition, this alteration is predicted to be tolerated by in silico analysis. Based on the available evidence, the clinical significance of this variant remains unclear.

Literature cited by the submitters: PubMed 29470806 (cited by Ambry Genetics).

NM_001042492.3(NF1):c.763G>A (p.Gly255Ser)

Gene: NF1 (neurofibromin 1; plus strand). Cytogenetic location: 17q11.2.
Variant type: single nucleotide variant.
Coding change: c.763G>A on transcript NM_001042492.3 (MANE Select); coding-DNA position 763, G replaced by A.
Protein change: p.Gly255Ser; replaces glycine 255 with serine.
Molecular consequence: missense variant.
Genome position (GRCh38, 1-based): chr17:31,182,540, G>A. VCF-style: chr17-31182540-G-A. GRCh37 (hg19) VCF-style: chr17-29509558-G-A.
Other names: c.763G>A, p.Gly255Ser (NM_000267.4, NM_001128147.3); short protein forms G255S.
Identifiers: ClinVar variation 1021356 (VCV001021356.8), dbSNP rs773207833, ClinGen allele CA8485638.
Genomic context (GRCh38, chr17:31,182,540, plus strand): 5'-AATGTCATTTAATATATTTTTCATGCAGAATGTGCAGAAAAGCTATTTGACTTGGTGGAT[G>A]GTTTTGCTGAAAGCACCAAACGTAAAGCAGCAGTTTGGCCACTACAAATCATTCTCCTTA-3'
Protein context (NP_001035957.1, residues 245-265): CAEKLFDLVD[Gly255Ser]FAESTKRKAA